The following is an entry in ClinVar:

ClinVar aggregate classification (germline): Uncertain significance (1 of 4 stars; one submission).

gnomAD v4.1: 2 of 1,613,878 alleles (0.00012%); highest among the groups gnomAD compares: Non-Finnish European, 0.00017%; no homozygotes.

Submission:

GeneDx
Classification: Uncertain significance. Last evaluated: 2026-03-30. Review status: criteria provided, single submitter. Criteria: GeneDx Variant Classification Process June 2021. Collection method: clinical testing. Allele origin: germline.
Comment: In silico analysis supports that this missense variant has a deleterious effect on protein structure/function; Has not been previously published as pathogenic or benign to our knowledge

NM_001394062.1(MACF1):c.14649T>G (p.His4883Gln)

Genes: MACF1 (microtubule actin crosslinking factor 1; plus strand), LOC114803468 (MACF1 eExon liver enhancer; plus strand). Cytogenetic location: 1p34.3.
Variant type: single nucleotide variant.
Coding change: c.14649T>G on transcript NM_001394062.1 (MANE Select); coding-DNA position 14649, T replaced by G.
Protein change: p.His4883Gln; replaces histidine 4883 with glutamine.
Molecular consequence: missense variant.
Genome position (GRCh38, 1-based): chr1:39,387,491, T>G. VCF-style: chr1-39387491-T-G. GRCh37 (hg19) VCF-style: chr1-39853163-T-G.
Other names: c.8463T>G, p.His2821Gln (NM_012090.5); short protein forms H2821Q, H4883Q.
Identifiers: ClinVar variation 5018462 (VCV005018462.1).